The following is an entry in ClinVar:

ClinVar aggregate classification (germline): Uncertain significance (1 of 4 stars; one submission).

Conditions:
Menkes kinky-hair syndrome (MNK). Also called: Copper transport disease; Menkes Disease; Classic Menkes Disease. Identifiers: Orphanet 565, MedGen C0022716, MONDO:0010651, OMIM 309400.
X-linked distal spinal muscular atrophy type 3. Also called: ATP7A-Related Distal Motor Neuropathy; SPINAL MUSCULAR ATROPHY, DISTAL, X-LINKED RECESSIVE; NEURONOPATHY, DISTAL HEREDITARY MOTOR, X-LINKED; NEUROPATHY, DISTAL HEREDITARY MOTOR, X-LINKED. Identifiers: Orphanet 139557, MedGen C1845359, MONDO:0010338, OMIM 300489.
Cutis laxa, X-linked (OHS). Also called: EDS IX; Occipital horn syndrome. Identifiers: Orphanet 198, MedGen C0268353, MONDO:0010572, OMIM 304150.

Submission:

Labcorp Genetics (formerly Invitae), Labcorp
Classification: Uncertain significance for X-linked distal spinal muscular atrophy type 3; Cutis laxa, X-linked; Menkes kinky-hair syndrome. Last evaluated: 2024-09-30. Review status: criteria provided, single submitter. Criteria: Invitae Variant Classification Sherloc (09022015). Collection method: clinical testing. Allele origin: germline.
Comment: This sequence change replaces isoleucine, which is neutral and non-polar, with methionine, which is neutral and non-polar, at codon 592 of the ATP7A protein (p.Ile592Met). This variant is not present in population databases (gnomAD no frequency). This variant has not been reported in the literature in individuals affected with ATP7A-related conditions. Invitae Evidence Modeling of protein sequence and biophysical properties (such as structural, functional, and spatial information, amino acid conservation, physicochemical variation, residue mobility, and thermodynamic stability) indicates that this missense variant is not expected to disrupt ATP7A protein function with a negative predictive value of 95%. In summary, the available evidence is currently insufficient to determine the role of this variant in disease. Therefore, it has been classified as a Variant of Uncertain Significance.

NM_000052.7(ATP7A):c.1776C>G (p.Ile592Met)

Gene: ATP7A (ATPase copper transporting alpha; plus strand). Cytogenetic location: Xq21.1.
Variant type: single nucleotide variant.
Coding change: c.1776C>G on transcript NM_000052.7 (MANE Select); coding-DNA position 1776, C replaced by G.
Protein change: p.Ile592Met; replaces isoleucine 592 with methionine.
Molecular consequence: missense variant.
Genome position (GRCh38, 1-based): chrX:78,009,170, C>G. VCF-style: chrX-78009170-C-G. GRCh37 (hg19) VCF-style: chrX-77264667-C-G.
Other names: c.1776C>G, p.Ile592Met (NM_001282224.2); short protein forms I592M.
Identifiers: ClinVar variation 3760511 (VCV003760511.2).
Genomic context (GRCh38, chrX:78,009,170, plus strand): 5'-AATGACGTGTGCCTCCTGCGTACATAAAATAGAGTCTAGTCTCACAAAACACAGAGGGAT[C>G]CTATACTGCTCCGTGGCCCTGGCAACCAACAAAGCACATATTAAATATGACCCAGAAATT-3'
Protein context (NP_000043.4, residues 582-602): IESSLTKHRG[Ile592Met]LYCSVALATN